The following is an entry in ClinVar:

NM_006231.4(POLE):c.2888G>A (p.Gly963Asp)

Gene: POLE (DNA polymerase epsilon, catalytic subunit; minus strand). Cytogenetic location: 12q24.33.
Variant type: single nucleotide variant.
Coding change: c.2888G>A on transcript NM_006231.4 (MANE Select); coding-DNA position 2888, G replaced by A.
Protein change: p.Gly963Asp; replaces glycine 963 with aspartic acid.
Molecular consequence: missense variant.
Genome position (GRCh38, 1-based): chr12:132,661,141, C>T on the plus strand (G>A on the coding strand, the complement: POLE is on the minus strand). VCF-style: chr12-132661141-C-T. GRCh37 (hg19) VCF-style: chr12-133237727-C-T.
Other names: short protein forms G963D.
Identifiers: ClinVar variation 405768 (VCV000405768.15), dbSNP rs777454763, ClinGen allele CA6893407.

ClinVar aggregate classification (germline): Uncertain significance. Review status: criteria provided, multiple submitters, no conflicts (2 of 4 stars). 4 submissions from 4 submitters: Uncertain significance (4). Last evaluated 2026-01-13.

Conditions:
Hereditary cancer-predisposing syndrome. Also called: Hereditary Cancer Syndrome; Hereditary neoplastic syndrome; Neoplastic Syndromes, Hereditary; Tumor predisposition. Identifiers: Orphanet 140162, MedGen C0027672, MeSH D009386, MONDO:0015356.
Colorectal cancer, susceptibility to, 12 (CRCS12). Also called: COLORECTAL CANCER, SUSCEPTIBILITY TO, ON CHROMOSOME 12q24. Identifiers: Orphanet 220460, MedGen C3554460, MONDO:0014038, OMIM 615083.

Allele frequency attached by ClinVar (database versions not stated): gnomAD exomes 0.00001 and 0.00002; ExAC 0.00002; gnomAD 0.00002; TOPMed 0.00003.
gnomAD v4.1: 7 of 1,611,744 alleles (0.00043%); highest among the groups gnomAD compares: Admixed American, 0.0084%; no homozygotes.

Submissions (4):

Labcorp Genetics (formerly Invitae), Labcorp
Classification: Uncertain significance. Last evaluated: 2026-01-13. Review status: criteria provided, single submitter. Criteria: Invitae Variant Classification Sherloc (09022015). Collection method: clinical testing. Allele origin: germline.
Comment: This sequence change replaces glycine, which is neutral and non-polar, with aspartic acid, which is acidic and polar, at codon 963 of the POLE protein (p.Gly963Asp). This variant is present in population databases (rs777454763, gnomAD 0.01%). This variant has not been reported in the literature in individuals affected with POLE-related conditions. ClinVar contains an entry for this variant (Variation ID: 405768). Invitae Evidence Modeling of protein sequence and biophysical properties (such as structural, functional, and spatial information, amino acid conservation, physicochemical variation, residue mobility, and thermodynamic stability) indicates that this missense variant is not expected to disrupt POLE protein function with a negative predictive value of 80%. In summary, the available evidence is currently insufficient to determine the role of this variant in disease. Therefore, it has been classified as a Variant of Uncertain Significance.

GeneDx
Classification: Uncertain significance. Last evaluated: 2024-02-27. Review status: criteria provided, single submitter. Criteria: GeneDx Variant Classification Process June 2021. Collection method: clinical testing. Allele origin: germline. Affected: yes.
Comment: Not observed at significant frequency in large population cohorts (gnomAD); In silico analysis supports that this missense variant has a deleterious effect on protein structure/function; Has not been previously published as pathogenic or benign to our knowledge; This variant is associated with the following publications: (PMID: 29056344, 20951805)

Ambry Genetics
Classification: Uncertain significance for Hereditary cancer-predisposing syndrome. Last evaluated: 2023-12-29. Review status: criteria provided, single submitter. Criteria: Ambry Variant Classification Scheme 2023. Collection method: clinical testing. Allele origin: germline.
Comment: The p.G963D variant (also known as c.2888G>A), located in coding exon 25 of the POLE gene, results from a G to A substitution at nucleotide position 2888. The glycine at codon 963 is replaced by aspartic acid, an amino acid with similar properties. This amino acid position is conserved. In addition, this alteration is predicted to be deleterious by in silico analysis. Since supporting evidence is limited at this time, the clinical significance of this alteration remains unclear.

St. Jude Molecular Pathology, St. Jude Children's Research Hospital
Classification: Uncertain significance for Colorectal cancer, susceptibility to, 12. Last evaluated: 2021-05-06. Review status: criteria provided, single submitter. Criteria: St. Jude Assertion Criteria 2020. Collection method: clinical testing. Allele origin: germline.
Comment: The POLE c.2888G>A (p.Gly963Asp) missense change has a maximum subpopulation frequency of 0.014% in gnomAD v2.1.1. Six of seven in silico tools predict a deleterious effect of this variant on protein function (PP3), but to our knowledge these predictions have not been confirmed by functional assays. This variant is not located in the exonuclease domain where many disease-causing mutations are known to occur. To our knowledge, this variant has not been reported in the literature in individuals with POLE-related disease. In summary, this variant meets criteria to be classified as of uncertain significance based on the ACMG/AMP criteria: PP3.